The following is an entry in ClinVar:

NM_012144.4(DNAI1):c.1079A>C (p.Gln360Pro)

Gene: DNAI1 (dynein axonemal intermediate chain 1; plus strand). Cytogenetic location: 9p13.3.
Variant type: single nucleotide variant.
Coding change: c.1079A>C on transcript NM_012144.4 (MANE Select); coding-DNA position 1079, A replaced by C.
Protein change: p.Gln360Pro; replaces glutamine 360 with proline.
Molecular consequence: missense variant.
Genome position (GRCh38, 1-based): chr9:34,506,642, A>C. VCF-style: chr9-34506642-A-C. GRCh37 (hg19) VCF-style: chr9-34506640-A-C.
Other names: c.1091A>C, p.Gln364Pro (NM_001281428.2); short protein forms Q360P, Q364P.
Identifiers: ClinVar variation 4869984 (VCV004869984.1).

ClinVar aggregate classification (germline): Uncertain significance (1 of 4 stars; one submission).

Conditions:
Primary ciliary dyskinesia. Also called: Ciliary dyskinesia. Identifiers: Orphanet 244, MedGen C0008780, MONDO:0016575, HP:0012265.

gnomAD v4.1: 7 of 1,614,086 alleles (0.00043%); highest among the groups gnomAD compares: African/African-American, 0.0093%; no homozygotes.

Submission:

Ambry Genetics
Classification: Uncertain significance for Primary ciliary dyskinesia. Last evaluated: 2026-05-14. Review status: criteria provided, single submitter. Criteria: Ambry Variant Classification Scheme 2023. Collection method: clinical testing. Allele origin: germline.
Comment: The p.Q360P variant (also known as c.1079A>C), located in coding exon 13 of the DNAI1 gene, results from an A to C substitution at nucleotide position 1079. The glutamine at codon 360 is replaced by proline, an amino acid with similar properties. This amino acid position is conserved. In addition, this alteration is predicted to be deleterious by in silico analysis. Based on the available evidence, the clinical significance of this variant remains unclear.